The following is an entry in ClinVar:

ClinVar aggregate classification (germline): Uncertain significance (0 of 4 stars; one submission).

Conditions:
SEMA3C-related disorder. Also called: SEMA3C-related condition.

Submission:

PreventionGenetics, part of Exact Sciences
Classification: Uncertain significance for SEMA3C-related condition. Last evaluated: 2023-10-31. Review status: no assertion criteria provided. Collection method: clinical testing. Allele origin: germline.
Comment: The SEMA3C c.2203C>T variant is predicted to result in premature protein termination (p.Gln735*). To our knowledge, this variant has not been reported in the literature or in a large population database, indicating this variant is rare. At this time, the clinical significance of this variant is uncertain due to the absence of conclusive functional and genetic evidence.

NM_006379.5(SEMA3C):c.2149C>T (p.Gln717Ter)

Gene: SEMA3C (semaphorin 3C; minus strand). Cytogenetic location: 7q21.11.
Variant type: single nucleotide variant.
Coding change: c.2149C>T on transcript NM_006379.5 (MANE Select); coding-DNA position 2149, C replaced by T.
Protein change: p.Gln717Ter; replaces glutamine 717 with a stop codon.
Molecular consequence: nonsense.
Genome position (GRCh38, 1-based): chr7:80,745,001, G>A on the plus strand (C>T on the coding strand, the complement: SEMA3C is on the minus strand). VCF-style: chr7-80745001-G-A. GRCh37 (hg19) VCF-style: chr7-80374317-G-A.
Other names: c.2203C>T, p.Gln735Ter (NM_001350120.2); c.1975C>T, p.Gln659Ter (NM_001350121.2); short protein forms Q659*, Q717*, Q735*.
Identifiers: ClinVar variation 3349973 (VCV003349973.1).
Genomic context (GRCh38, chr7:80,745,001, plus strand): 5'-TGATGAGGGCCTTTAACTTGCCATAGTCCCCTCTCATTTTCTGTGATTCATCTCCCTGCT[G>A]ATGTTGCTGCCGAGTGTCTTTGCAATATTGGTTAATCATCTGCATTTCTGAGTGGCTGAA-3'